The following is an entry in ClinVar:

NM_000051.4(ATM):c.9094del (p.Gln3031_Val3032insTer)

Genes: ATM (ATM serine/threonine kinase; plus strand), C11orf65 (chromosome 11 open reading frame 65; minus strand). Cytogenetic location: 11q22.3.
Variant type: Deletion.
Coding change: c.9094del on transcript NM_000051.4 (MANE Select); coding-DNA position 9094, one base deleted (G; older notation c.9094delG).
Protein change: p.Gln3031_Val3032insTer.
Molecular consequence: nonsense. On other transcripts: intron variant (2).
Genome position (GRCh38, 1-based): chr11:108,365,431, G deleted. VCF-style (leftmost placement, unchanged base first): chr11-108365430-AG-A. GRCh37 (hg19) VCF-style: chr11-108236157-AG-A.
Other names: c.9094del, p.Gln3031_Val3032insTer (NM_001351834.2); c.640+20489del (NM_001330368.2); c.694+20489del (NM_001351110.2).
Identifiers: ClinVar variation 3727041 (VCV003727041.2).

ClinVar aggregate classification (germline): Pathogenic (1 of 4 stars; one submission).

Conditions:
Ataxia-telangiectasia syndrome (AT). Also called: Ataxia-telangiectasia, complementation group D; AT, COMPLEMENTATION GROUP C; ATAXIA-TELANGIECTASIA, COMPLEMENTATION GROUP A; ATAXIA-TELANGIECTASIA, FRESNO VARIANT; Ataxia-telangiectasia; Ataxia-telangiectasia, complementation group E. Identifiers: Orphanet 100, MedGen C0004135, MONDO:0008840, OMIM 208900.

Submission:

Labcorp Genetics (formerly Invitae), Labcorp
Classification: Pathogenic for Ataxia-telangiectasia syndrome. Last evaluated: 2024-12-12. Review status: criteria provided, single submitter. Criteria: Invitae Variant Classification Sherloc (09022015). Collection method: clinical testing. Allele origin: germline.
Comment: This sequence change creates a premature translational stop signal (p.Val3032*) in the ATM gene. While this is not anticipated to result in nonsense mediated decay, it is expected to disrupt the last 25 amino acid(s) of the ATM protein. This variant is not present in population databases (gnomAD no frequency). This variant has not been reported in the literature in individuals affected with ATM-related conditions. This variant disrupts a region of the ATM protein in which other variant(s) (p.Arg3047*) have been determined to be pathogenic (PMID: 8755918, 10980530, 18560558, 19691550, 26628246). This suggests that this is a clinically significant region of the protein, and that variants that disrupt it are likely to be disease-causing. For these reasons, this variant has been classified as Pathogenic.

Literature cited by the submitters: PubMed 8755918; PubMed 10980530; PubMed 18560558; PubMed 19691550; PubMed 26628246.